The following is an entry in ClinVar:

ClinVar aggregate classification (germline): Uncertain significance (1 of 4 stars; one submission).

Conditions:
Inborn genetic diseases. Identifiers: MedGen C0950123, MeSH D030342.

Submission:

Ambry Genetics
Classification: Uncertain significance for Inborn genetic diseases. Last evaluated: 2026-07-22. Review status: criteria provided, single submitter. Criteria: Ambry Variant Classification Scheme 2023. Collection method: clinical testing. Allele origin: germline.
Comment: The p.D468E variant (also known as c.1404C>G), located in coding exon 8 of the MECOM gene, results from a C to G substitution at nucleotide position 1404. The aspartic acid at codon 468 is replaced by glutamic acid, an amino acid with highly similar properties. This amino acid position is conserved. In addition, this alteration is predicted to be tolerated by in silico analysis. Based on the available evidence, the clinical significance of this variant remains unclear.

NM_004991.4(MECOM):c.1404C>G (p.Asp468Glu)

Gene: MECOM (MDS1 and EVI1 complex locus; minus strand). Cytogenetic location: 3q26.2.
Variant type: single nucleotide variant.
Coding change: c.1404C>G on transcript NM_004991.4 (MANE Select); coding-DNA position 1404, C replaced by G.
Protein change: p.Asp468Glu; replaces aspartic acid 468 with glutamic acid.
Molecular consequence: missense variant. On other transcripts: intron variant (2).
Genome position (GRCh38, 1-based): chr3:169,116,468, G>C on the plus strand (C>G on the coding strand, the complement: MECOM is on the minus strand). VCF-style: chr3-169116468-G-C. GRCh37 (hg19) VCF-style: chr3-168834256-G-C.
Other names: c.840C>G, p.Asp280Glu (NM_001105078.4, NM_001164000.2, NM_001205194.2 and 4 more transcripts); c.843C>G, p.Asp281Glu (NM_001163999.2, NM_001366467.2, NM_001366468.2 and 1 more transcripts); c.1404C>G, p.Asp468Glu (NM_001366466.2); c.1133-701C>G (NM_001366473.2); c.569-701C>G (NM_001366474.2); c.1035C>G, p.Asp345Glu (NM_001105077.4); short protein forms D280E, D281E, D468E, D345E.
Identifiers: ClinVar variation 5024148 (VCV005024148.1).